The following is an entry in ClinVar:

ClinVar aggregate classification (germline): Benign (0 of 4 stars; one submission).

Conditions:
MUC16-related disorder. Also called: MUC16-related condition.

Allele frequency attached by ClinVar (database versions not stated): ESP Exome Variant Server 0.12105; TOPMed 0.14420; 1000 Genomes Project 0.17232; 1000 Genomes Project 30x 0.17536.

Submission:

PreventionGenetics, part of Exact Sciences
Classification: Benign for MUC16-related condition. Last evaluated: 2019-02-26. Review status: no assertion criteria provided. Collection method: clinical testing. Allele origin: germline.
Comment: This variant is classified as benign based on ACMG/AMP sequence variant interpretation guidelines (Richards et al. 2015 PMID: 25741868, with internal and published modifications).

NM_001401501.2(MUC16):c.9421G>T (p.Ala3141Ser)

Gene: MUC16 (mucin 16, cell surface associated; minus strand). Cytogenetic location: 19p13.2.
Variant type: single nucleotide variant.
Coding change: c.9421G>T on transcript NM_001401501.2 (MANE Select); coding-DNA position 9421, G replaced by T.
Protein change: p.Ala3141Ser; replaces alanine 3141 with serine.
Molecular consequence: missense variant.
Genome position (GRCh38, 1-based): chr19:8,971,838, C>A on the plus strand (G>T on the coding strand, the complement: MUC16 is on the minus strand). VCF-style: chr19-8971838-C-A. GRCh37 (hg19) VCF-style: chr19-9082514-C-A.
Other names: c.9847G>T, p.Ala3283Ser (NM_001414686.1); c.9301G>T, p.Ala3101Ser (NM_001414687.1, NM_024690.2); short protein forms A3101S, A3141S, A3283S.
Identifiers: ClinVar variation 3060650 (VCV003060650.2), dbSNP rs17000871, ClinGen allele CA9171769.